The following is an entry in ClinVar:

NM_000138.5(FBN1):c.1068dup (p.Gln357fs)

Genes: FBN1 (fibrillin 1; minus strand), LOC113939944 (Sharpr-MPRA regulatory region 9539; plus strand). Cytogenetic location: 15q21.1.
Variant type: Duplication.
Coding change: c.1068dup on transcript NM_000138.5 (MANE Select); coding-DNA position 1068, one base duplicated (G; older notation c.1068dupG).
Protein change: p.Gln357fs; shifts the reading frame from glutamine 357.
Molecular consequence: frameshift variant.
Genome position (GRCh38, 1-based): chr15:48,520,738, C duplicated on the plus strand (G on the coding strand, the reverse complement: FBN1 is on the minus strand). VCF-style (leftmost placement, unchanged base first): chr15-48520737-G-GC. GRCh37 (hg19) VCF-style: chr15-48812934-G-GC.
Other names: c.1068dup, p.Gln357fs (NM_001406716.1); short protein forms Q357fs.
Identifiers: ClinVar variation 3757068 (VCV003757068.2).

ClinVar aggregate classification (germline): Pathogenic (1 of 4 stars; one submission).

Conditions:
Marfan syndrome (MFS). Also called: MARFAN SYNDROME, TYPE I; Marfan syndrome type 1; Marfan's syndrome; Marfan syndrome, classic; FBN1-Related Marfan Syndrome. Identifiers: Orphanet 284963, Orphanet 558, MedGen C0024796, MONDO:0007947, OMIM 154700.
Familial thoracic aortic aneurysm and aortic dissection (TAAD). Also called: Thoracic aortic aneurysms and dissections. Identifiers: Orphanet 91387, MedGen C4707243, MONDO:0019625.

Submission:

Labcorp Genetics (formerly Invitae), Labcorp
Classification: Pathogenic for Marfan syndrome; Familial thoracic aortic aneurysm and aortic dissection. Last evaluated: 2024-06-30. Review status: criteria provided, single submitter. Criteria: Invitae Variant Classification Sherloc (09022015). Collection method: clinical testing. Allele origin: germline.
Comment: This sequence change creates a premature translational stop signal (p.Gln357Alafs*5) in the FBN1 gene. It is expected to result in an absent or disrupted protein product. Loss-of-function variants in FBN1 are known to be pathogenic (PMID: 17657824, 19293843). This variant is not present in population databases (gnomAD no frequency). This variant has not been reported in the literature in individuals affected with FBN1-related conditions. For these reasons, this variant has been classified as Pathogenic.

Literature cited by the submitters: PubMed 17657824; PubMed 19293843.